The following is an entry in ClinVar:

NM_001242896.3(DEPDC5):c.2012G>A (p.Ser671Asn)

Gene: DEPDC5 (DEP domain containing 5, GATOR1 subcomplex subunit; plus strand). Cytogenetic location: 22q12.3.
Variant type: single nucleotide variant.
Coding change: c.2012G>A on transcript NM_001242896.3 (MANE Select); coding-DNA position 2012, G replaced by A.
Protein change: p.Ser671Asn; replaces serine 671 with asparagine.
Molecular consequence: missense variant. On other transcripts: non-coding transcript variant (4), intron variant (3).
Genome position (GRCh38, 1-based): chr22:31,822,698, G>A. VCF-style: chr22-31822698-G-A. GRCh37 (hg19) VCF-style: chr22-32218684-G-A.
Other names: c.2012G>A, p.Ser671Asn (NM_001136029.4, NM_001363852.2, NM_001364318.2 and 3 more transcripts); c.1928G>A, p.Ser643Asn (NM_001369901.1, NM_001369902.1); c.1870+3473G>A (NM_001363854.2, NM_001242897.2, NM_001364319.2); short protein forms S643N, S671N.
Identifiers: ClinVar variation 1060407 (VCV001060407.9), dbSNP rs2148829704, ClinGen allele CA411283148.

ClinVar aggregate classification (germline): Uncertain significance (1 of 4 stars; one submission).

Conditions:
Familial focal epilepsy with variable foci (FPEVF). Identifiers: Orphanet 98820, MedGen C1858477, MONDO:0020310.

gnomAD v4.1: 1 of 1,614,008 alleles (0.000062%); highest among the groups gnomAD compares: South Asian, 0.0011%; no homozygotes.

Submission:

Labcorp Genetics (formerly Invitae), Labcorp
Classification: Uncertain significance for Familial focal epilepsy with variable foci. Last evaluated: 2022-08-23. Review status: criteria provided, single submitter. Criteria: Invitae Variant Classification Sherloc (09022015). Collection method: clinical testing. Allele origin: germline.
Comment: In summary, the available evidence is currently insufficient to determine the role of this variant in disease. Therefore, it has been classified as a Variant of Uncertain Significance. Algorithms developed to predict the effect of missense changes on protein structure and function are either unavailable or do not agree on the potential impact of this missense change (SIFT: "Tolerated"; PolyPhen-2: "Not Available"; Align-GVGD: "Class C0"). ClinVar contains an entry for this variant (Variation ID: 1060407). This variant has not been reported in the literature in individuals affected with DEPDC5-related conditions. This variant is not present in population databases (gnomAD no frequency). This sequence change replaces serine, which is neutral and polar, with asparagine, which is neutral and polar, at codon 671 of the DEPDC5 protein (p.Ser671Asn).